The following is an entry in ClinVar:

ClinVar aggregate classification (germline): Likely benign (0 of 4 stars; one submission).

Conditions:
GRIN2C-related disorder. Also called: GRIN2C-related condition.

Allele frequency attached by ClinVar (database versions not stated): ExAC 0.00073; gnomAD 0.00103; TOPMed 0.00111; 1000 Genomes Project 30x 0.00125; 1000 Genomes Project 0.00140.
gnomAD v4.1: 209 of 614,112 alleles (0.034%); highest among the groups gnomAD compares: African/African-American, 0.38%; 2 homozygotes.

Submission:

PreventionGenetics, part of Exact Sciences
Classification: Likely benign for GRIN2C-related condition. Last evaluated: 2022-05-23. Review status: no assertion criteria provided. Collection method: clinical testing. Allele origin: germline.
Comment: This variant is classified as likely benign based on ACMG/AMP sequence variant interpretation guidelines (Richards et al. 2015 PMID: 25741868, with internal and published modifications).

NM_000835.6(GRIN2C):c.3329G>C (p.Gly1110Ala)

Gene: GRIN2C (glutamate ionotropic receptor NMDA type subunit 2C; minus strand). Cytogenetic location: 17q25.1.
Variant type: single nucleotide variant.
Coding change: c.3329G>C on transcript NM_000835.6 (MANE Select); coding-DNA position 3329, G replaced by C.
Protein change: p.Gly1110Ala; replaces glycine 1110 with alanine.
Molecular consequence: missense variant. On other transcripts: non-coding transcript variant (1).
Genome position (GRCh38, 1-based): chr17:74,842,808, C>G on the plus strand (G>C on the coding strand, the complement: GRIN2C is on the minus strand). VCF-style: chr17-74842808-C-G. GRCh37 (hg19) VCF-style: chr17-72838947-C-G.
Other names: short protein forms G1110A.
Identifiers: ClinVar variation 3048527 (VCV003048527.2), dbSNP rs556008984, ClinGen allele CA8751986.